The following is an entry in ClinVar:

NM_152383.5(DIS3L2):c.86G>A (p.Gly29Asp)

Gene: DIS3L2 (DIS3 like 3'-5' exoribonuclease 2; plus strand). Cytogenetic location: 2q37.1.
Variant type: single nucleotide variant.
Coding change: c.86G>A on transcript NM_152383.5 (MANE Select); coding-DNA position 86, G replaced by A.
Protein change: p.Gly29Asp; replaces glycine 29 with aspartic acid.
Molecular consequence: missense variant. On other transcripts: non-coding transcript variant (2).
Genome position (GRCh38, 1-based): chr2:232,015,547, G>A. VCF-style: chr2-232015547-G-A. GRCh37 (hg19) VCF-style: chr2-232880257-G-A.
Other names: c.86G>A, p.Gly29Asp (NM_001257281.2, NM_001257282.2); short protein forms G29D.
Identifiers: ClinVar variation 463131 (VCV000463131.17), dbSNP rs369080386, ClinGen allele CA2163718.

ClinVar aggregate classification (germline): Uncertain significance. Review status: criteria provided, multiple submitters, no conflicts (2 of 4 stars). 7 submissions from 7 submitters: Uncertain significance (6). 1 of the submissions does not count toward it. Last evaluated 2026-02-11.

Conditions:
DIS3L2-related disorder. Also called: DIS3L2-related condition.
Inborn genetic diseases. Identifiers: MedGen C0950123, MeSH D030342.
Perlman syndrome (PRLMNS). Identifiers: Orphanet 2849, MedGen C0796113, MONDO:0009965, OMIM 267000.

Allele frequency attached by ClinVar (database versions not stated): ExAC 0.00004; TOPMed 0.00028; gnomAD 0.00029 and 0.00031; ESP Exome Variant Server 0.00033.

Submissions (7):

St. Jude Molecular Pathology, St. Jude Children's Research Hospital
Classification: Uncertain significance for Perlman syndrome. Last evaluated: 2026-02-11. Review status: criteria provided, single submitter. Criteria: St. Jude Assertion Criteria 2020. Collection method: clinical testing. Allele origin: germline.
Comment: The DIS3L2 c.86G>A p.(Gly29Asp) missense change has a maximum subpopulation frequency of 0.078% in gnomAD v2.1.1. The in silico tool REVEL predicts a benign effect on protein function, but to our knowledge this prediction has not been confirmed by functional studies. To our knowledge, this variant has not been reported in the lite rature in individuals with DIS3L2-associated conditions. In summary, the evidence currently available is insufficient to determine the clinical significance of this variant. It has therefore been classified as of uncertain significance.

Labcorp Genetics (formerly Invitae), Labcorp
Classification: Uncertain significance for Perlman syndrome. Last evaluated: 2025-12-22. Review status: criteria provided, single submitter. Criteria: Invitae Variant Classification Sherloc (09022015). Collection method: clinical testing. Allele origin: germline.
Comment: This sequence change replaces glycine, which is neutral and non-polar, with aspartic acid, which is acidic and polar, at codon 29 of the DIS3L2 protein (p.Gly29Asp). This variant is present in population databases (rs369080386, gnomAD 0.08%). This missense change has been observed in individual(s) with clinical features of DIS3L2-related conditions (PMID: 39039281). ClinVar contains an entry for this variant (Variation ID: 463131). An algorithm developed to predict the effect of missense changes on protein structure and function (PolyPhen-2) suggests that this variant is likely to be disruptive. In summary, the available evidence is currently insufficient to determine the role of this variant in disease. Therefore, it has been classified as a Variant of Uncertain Significance.

Dasa
Classification: Uncertain significance. Last evaluated: 2025-05-22. Review status: criteria provided, single submitter. Criteria: DASA Assertion Criteria. Collection method: clinical testing. Allele origin: germline.
Comment: NM_152383.5(DIS3L2):c.86G>A (p.Gly29Asp) is a missense variant that results in the substitution of glycine with aspartic acid. This variant is rare in population databases. Computational prediction algorithms are consistent with a benign effect. The currently available literature and clinical evidence are not sufficient to establish a definitive association between this variant and the reported condition. Therefore, this variant is classified as a variant of uncertain significance.

GeneDx
Classification: Uncertain significance. Last evaluated: 2023-06-26. Review status: criteria provided, single submitter. Criteria: GeneDx Variant Classification Process June 2021. Collection method: clinical testing. Allele origin: germline. Affected: yes.
Comment: In silico analysis supports that this missense variant does not alter protein structure/function; Has not been previously published as pathogenic or benign to our knowledge

Ambry Genetics
Classification: Uncertain significance for Inborn genetic diseases. Last evaluated: 2021-06-18. Review status: criteria provided, single submitter. Criteria: Ambry Variant Classification Scheme 2023. Collection method: clinical testing. Allele origin: germline.

Institute of Human Genetics, Clinical Exome/Genome Diagnostics Group, University Hospital Bonn
Classification: Uncertain significance for Perlman syndrome. Last evaluated: 2020-11-25. Review status: criteria provided, single submitter. Criteria: ACMG Guidelines, 2015. Collection method: clinical testing. Allele origin: maternal.

PreventionGenetics, part of Exact Sciences
Classification: Uncertain significance for DIS3L2-related condition. Last evaluated: 2024-06-17. Review status: no assertion criteria provided. Collection method: clinical testing. Allele origin: germline. Not counted in ClinVar's aggregate classification.
Comment: The DIS3L2 c.86G>A variant is predicted to result in the amino acid substitution p.Gly29Asp. To our knowledge, this variant has not been reported in the literature. This variant is reported in 0.079% of alleles in individuals of African descent in gnomAD and interpreted as a variant of uncertain significance in ClinVar. Although we suspect that this variant may be benign, at this time, the clinical significance of this variant is uncertain due to the absence of conclusive functional and genetic evidence.

Literature cited by the submitters: PubMed 39039281 (cited by Labcorp Genetics (formerly Invitae), Labcorp).